The following is an entry in ClinVar:

NM_199242.3(UNC13D):c.1992G>C (p.Glu664Asp)

Gene: UNC13D (unc-13 homolog D; minus strand). Cytogenetic location: 17q25.1.
Variant type: single nucleotide variant.
Coding change: c.1992G>C on transcript NM_199242.3 (MANE Select); coding-DNA position 1992, G replaced by C.
Protein change: p.Glu664Asp; replaces glutamic acid 664 with aspartic acid.
Molecular consequence: missense variant.
Genome position (GRCh38, 1-based): chr17:75,834,920, C>G on the plus strand (G>C on the coding strand, the complement: UNC13D is on the minus strand). VCF-style: chr17-75834920-C-G. GRCh37 (hg19) VCF-style: chr17-73831001-C-G.
Other names: short protein forms E664D.
Identifiers: ClinVar variation 2708606 (VCV002708606.3), dbSNP rs1419718331, ClinGen allele CA401090797.

ClinVar aggregate classification (germline): Uncertain significance (1 of 4 stars; one submission).

Conditions:
Familial hemophagocytic lymphohistiocytosis 3 (FHL3). Also called: UNC13D-Related Familial Hemophagocytic Lymphohistiocytosis (UNC13D-fHLH). Identifiers: Orphanet 540, MedGen C1837174, MONDO:0012146, OMIM 608898.

Allele frequency attached by ClinVar (database versions not stated): gnomAD exomes below 0.00001.
gnomAD v4.1: 3 of 1,614,004 alleles (0.00019%); highest among the groups gnomAD compares: South Asian, 0.0022%; no homozygotes.

Submission:

Labcorp Genetics (formerly Invitae), Labcorp
Classification: Uncertain significance for Familial hemophagocytic lymphohistiocytosis 3. Last evaluated: 2024-01-10. Review status: criteria provided, single submitter. Criteria: Invitae Variant Classification Sherloc (09022015). Collection method: clinical testing. Allele origin: germline.
Comment: This sequence change replaces glutamic acid, which is acidic and polar, with aspartic acid, which is acidic and polar, at codon 664 of the UNC13D protein (p.Glu664Asp). This variant also falls at the last nucleotide of exon 21, which is part of the consensus splice site for this exon. This variant is present in population databases (no rsID available, gnomAD 0.003%). This variant has not been reported in the literature in individuals affected with UNC13D-related conditions. An algorithm developed to predict the effect of missense changes on protein structure and function (PolyPhen-2) suggests that this variant is likely to be disruptive. Variants that disrupt the consensus splice site are a relatively common cause of aberrant splicing (PMID: 17576681, 9536098). Algorithms developed to predict the effect of sequence changes on RNA splicing suggest that this variant may disrupt the consensus splice site. In summary, the available evidence is currently insufficient to determine the role of this variant in disease. Therefore, it has been classified as a Variant of Uncertain Significance.

Literature cited by the submitters: PubMed 17576681; PubMed 9536098.